The following is an entry in ClinVar:

NM_024642.5(GALNT12):c.206C>G (p.Pro69Arg)

Gene: GALNT12 (polypeptide N-acetylgalactosaminyltransferase 12; plus strand). Cytogenetic location: 9q22.33.
Variant type: single nucleotide variant.
Coding change: c.206C>G on transcript NM_024642.5 (MANE Select); coding-DNA position 206, C replaced by G.
Protein change: p.Pro69Arg; replaces proline 69 with arginine.
Molecular consequence: missense variant.
Genome position (GRCh38, 1-based): chr9:98,807,904, C>G. VCF-style: chr9-98807904-C-G. GRCh37 (hg19) VCF-style: chr9-101570186-C-G.
Other names: short protein forms P69R.
Identifiers: ClinVar variation 1785347 (VCV001785347.3), dbSNP rs1588436255, ClinGen allele CA374222521.

ClinVar aggregate classification (germline): Uncertain significance (1 of 4 stars; one submission).

Submission:

Ambry Genetics
Classification: Uncertain significance. Last evaluated: 2025-01-17. Review status: criteria provided, single submitter. Criteria: Ambry Variant Classification Scheme 2023. Collection method: clinical testing. Allele origin: germline.
Comment: The p.P69R variant (also known as c.206C>G), located in coding exon 1 of the GALNT12 gene, results from a C to G substitution at nucleotide position 206. The proline at codon 69 is replaced by arginine, an amino acid with dissimilar properties. This amino acid position is conserved. In addition, this alteration is predicted to be tolerated by in silico analysis. Since supporting evidence is limited at this time, the clinical significance of this alteration remains unclear.